The following is an entry in ClinVar:

NM_025114.4(CEP290):c.6424dup (p.Glu2142fs)

Gene: CEP290 (centrosomal protein 290; minus strand). Cytogenetic location: 12q21.32.
Variant type: Duplication.
Coding change: c.6424dup on transcript NM_025114.4 (MANE Select); coding-DNA position 6424, one base duplicated (G; older notation c.6424dupG).
Protein change: p.Glu2142fs; shifts the reading frame from glutamic acid 2142.
Molecular consequence: frameshift variant.
Genome position (GRCh38, 1-based): chr12:88,060,928, C duplicated on the plus strand (G on the coding strand, the reverse complement: CEP290 is on the minus strand). VCF-style (leftmost placement, unchanged base first): chr12-88060927-T-TC. GRCh37 (hg19) VCF-style: chr12-88454704-T-TC.
Other names: short protein forms E2142fs.
Identifiers: ClinVar variation 2017473 (VCV002017473.4), dbSNP rs2499570339, ClinGen allele CA2580086737.
Genomic context (GRCh38, chr12:88,060,927, plus strand): 5'-TTTTCACTAGTCAATATTCCTGATGCTTTTTTCAACTGTTCATTTTCTCTCTGGACTTTT[T>TC]CAACTACTTTTTTCATTAAACCAATGGTTTTTTCCAGTTCTGGGATTGTCTTTCCACTTC-3'

ClinVar aggregate classification (germline): Pathogenic (1 of 4 stars; one submission).

Conditions:
Joubert syndrome. Also called: CEREBELLOPARENCHYMAL DISORDER IV; JOUBERT-BOLTSHAUSER SYNDROME; Familial aplasia of the vermis. Identifiers: Orphanet 475, MedGen C5979921, MONDO:0018772.
Meckel-Gruber syndrome. Also called: DYSENCEPHALIA SPLANCHNOCYSTICA; GRUBER SYNDROME; Dysencephalia splachnocystica. Identifiers: Orphanet 564, MedGen C0265215, MONDO:0018921.
Nephronophthisis. Also called: Juvenile Nephronophthisis. Identifiers: Orphanet 655, MedGen C0687120, MONDO:0019005, HP:0000090.

Submission:

Labcorp Genetics (formerly Invitae), Labcorp
Classification: Pathogenic for Joubert syndrome; Meckel-Gruber syndrome; Nephronophthisis. Last evaluated: 2023-01-31. Review status: criteria provided, single submitter. Criteria: Invitae Variant Classification Sherloc (09022015). Collection method: clinical testing. Allele origin: germline.
Comment: This variant has not been reported in the literature in individuals affected with CEP290-related conditions. For these reasons, this variant has been classified as Pathogenic. This sequence change creates a premature translational stop signal (p.Glu2142Glyfs*8) in the CEP290 gene. It is expected to result in an absent or disrupted protein product. Loss-of-function variants in CEP290 are known to be pathogenic (PMID: 16909394, 17345604, 20690115). This variant is not present in population databases (gnomAD no frequency).

Literature cited by the submitters: PubMed 16909394; PubMed 17345604; PubMed 20690115.